The following is an entry in ClinVar:

NM_001366244.2(GOLGA2):c.2207AGG[6] (p.Glu742del)

Gene: GOLGA2 (golgin A2; minus strand). Cytogenetic location: 9q34.11.
Variant type: Microsatellite.
Coding change: c.2207AGG[6] on transcript NM_001366244.2 (MANE Select); six copies in a row of the 3-base unit AGG starting at c.2207; the reference has seven copies in a row; one copy, 3 bases deleted; also written c.2225_2227del.
Protein change: p.Glu742del; deletes glutamic acid 742.
Molecular consequence: inframe deletion.
Genome position (GRCh38, 1-based): chr9:128,258,517-128,258,519, CCT deleted on the plus strand (AGG on the coding strand, the reverse complement: GOLGA2 is on the minus strand); deleting any 3 consecutive bases within chr9:128,258,517-128,258,538 gives the same sequence; the position shown is the placement nearest the transcript's 3' end. VCF-style (leftmost placement, unchanged base first): chr9-128258516-GCCT-G. GRCh37 (hg19) VCF-style: chr9-131020795-GCCT-G.
Other names: c.2225_2227del (NM_001366244.2); c.2126AGG[6], p.Glu715del (NM_001366246.2, NM_004486.6); c.2192AGG[6], p.Glu737del (NM_001389695.2); c.2189AGG[6], p.Glu736del (NM_001389696.2); c.2114AGG[6], p.Glu711del (NM_001389697.2); c.2108AGG[6], p.Glu709del (NM_001389698.2); c.2087AGG[6], p.Glu702del (NM_001389699.2, NM_001389700.2); c.2045AGG[6], p.Glu688del (NM_001389701.2); and 4 more; short protein forms E584del, E591del, E675del, E680del, E688del, E702del, E709del, E711del.
Identifiers: ClinVar variation 1263656 (VCV001263656.4), dbSNP rs112603354, ClinGen allele CA5258801.

ClinVar aggregate classification (germline): Conflicting classifications of pathogenicity. Review status: criteria provided, conflicting classifications (1 of 4 stars). 2 submissions from 2 submitters: Uncertain significance (1); Benign (1). Last evaluated 2020-04-24.

Conditions:
Developmental delay with hypotonia, myopathy, and brain abnormalities (DEDHMB). Identifiers: MedGen C5830270, MONDO:0859375, OMIM 620240.

Submissions (2):

GeneDx
Classification: Benign. Last evaluated: 2020-04-24. Review status: criteria provided, single submitter. Criteria: GeneDx Variant Classification Process June 2021. Collection method: clinical testing. Allele origin: germline. Affected: yes.

Juno Genomics, Hangzhou Juno Genomics, Inc
Classification: Uncertain significance for Developmental delay with hypotonia, myopathy, and brain abnormalities. Review status: criteria provided, single submitter. Criteria: ACMG Guidelines, 2015. Collection method: clinical testing. Allele origin: germline.
Comment: Absent from controls (or at extremely low frequency if recessive) in Genome Aggregation Database.;Protein length changes due to in-frame deletions/insertions in a non-repeat region or stop-loss variants.